The following is an entry in ClinVar:

ClinVar aggregate classification (germline): Likely pathogenic. Review status: criteria provided, single submitter (1 of 4 stars). 2 submissions from 2 submitters: Likely pathogenic (1). 1 of the submissions does not count toward it. Last evaluated 2024-11-01.

Conditions:
Retinitis pigmentosa-hearing loss-premature aging-short stature-facial dysmorphism syndrome. Also called: Short stature, hearing loss, retinitis pigmentosa, and distinctive facies. Identifiers: Orphanet 494439, MedGen C4540367, MONDO:0044634, OMIM 617763.

Submissions (2):

CeGaT Center for Human Genetics Tuebingen
Classification: Likely pathogenic. Last evaluated: 2024-11-01. Review status: criteria provided, single submitter. Criteria: CeGaT Center For Human Genetics Tuebingen Variant Classification Criteria Version 2. Collection method: clinical testing. Allele origin: germline. Affected: yes. Observed: 1 variant allele.
Comment: EXOSC2: PM2, PM3, PP3, PS3:Supporting

OMIM
Classification: Pathogenic for SHORT STATURE, HEARING LOSS, RETINITIS PIGMENTOSA, AND DISTINCTIVE FACIES. Last evaluated: 2017-11-10. Review status: no assertion criteria provided. Collection method: literature only. Allele origin: germline. Not counted in ClinVar's aggregate classification.

Literature cited by the submitters: PubMed 26843489 (cited by OMIM).

NM_014285.7(EXOSC2):c.593G>A (p.Gly198Asp)

Gene: EXOSC2 (exosome component 2; plus strand). Cytogenetic location: 9q34.12.
Variant type: single nucleotide variant.
Coding change: c.593G>A on transcript NM_014285.7 (MANE Select); coding-DNA position 593, G replaced by A.
Protein change: p.Gly198Asp; replaces glycine 198 with aspartic acid.
Molecular consequence: missense variant. On other transcripts: non-coding transcript variant (1).
Genome position (GRCh38, 1-based): chr9:130,702,231, G>A. VCF-style: chr9-130702231-G-A. GRCh37 (hg19) VCF-style: chr9-133577618-G-A.
Other names: c.515G>A, p.Gly172Asp (NM_001282708.1); c.503G>A, p.Gly168Asp (NM_001282709.1); short protein forms G198D, G168D, G172D.
Identifiers: ClinVar variation 446203 (VCV000446203.15), dbSNP rs756204866, ClinGen allele CA375247996.
Genomic context (GRCh38, chr9:130,702,231, plus strand): 5'-TGGTGAAACGGCAGAAGACCCACTTTCATGATTTGCCATGTGGTGCCTCAGTGATTCTCG[G>A]TAACAACGGCTTCATCTGGATTTACCCAACACCTGAGCACAAAGAAGAGGAAGCAGGGGG-3'
Protein context (NP_055100.2, residues 188-208): DLPCGASVIL[Gly198Asp]NNGFIWIYPT